The following is an entry in ClinVar:

ClinVar aggregate classification (germline): Uncertain significance. Review status: criteria provided, multiple submitters, no conflicts (2 of 4 stars). 3 submissions from 3 submitters: Uncertain significance (3). Last evaluated 2025-03-31.

Conditions:
Ataxia-telangiectasia syndrome (AT). Also called: LOUIS-BAR SYNDROME; Cerebello-oculocutaneous telangiectasia; Immunodeficiency with ataxia telangiectasia; Ataxia telangiectasia (A-T); Ataxia-telangiectasia, complementation group D; AT, COMPLEMENTATION GROUP C. Identifiers: Orphanet 100, MedGen C0004135, MONDO:0008840, OMIM 208900.
Hereditary cancer-predisposing syndrome. Also called: Tumor predisposition; Neoplastic Syndromes, Hereditary; Hereditary Cancer Syndrome; Hereditary neoplastic syndrome. Identifiers: Orphanet 140162, MedGen C0027672, MeSH D009386, MONDO:0015356.

Submissions (3):

Ambry Genetics
Classification: Uncertain significance for Hereditary cancer-predisposing syndrome. Last evaluated: 2025-03-31. Review status: criteria provided, single submitter. Criteria: Ambry Variant Classification Scheme 2023. Collection method: clinical testing. Allele origin: germline.
Comment: The p.L2255P variant (also known as c.6764T>C), located in coding exon 45 of the ATM gene, results from a T to C substitution at nucleotide position 6764. The leucine at codon 2255 is replaced by proline, an amino acid with similar properties. This variant was reported in 1 of 701 Brazilian individuals with features consistent with a hereditary breast and/or ovarian cancer syndrome (Faria JP et al. Breast Cancer Res Treat, 2024 Oct;207:615-624). This amino acid position is highly conserved in available vertebrate species. In addition, this alteration is predicted to be deleterious by in silico analysis. Based on the available evidence, the clinical significance of this variant remains unclear.

Labcorp Genetics (formerly Invitae), Labcorp
Classification: Uncertain significance for Ataxia-telangiectasia syndrome. Last evaluated: 2024-01-19. Review status: criteria provided, single submitter. Criteria: Invitae Variant Classification Sherloc (09022015). Collection method: clinical testing. Allele origin: germline.
Comment: This sequence change replaces leucine, which is neutral and non-polar, with proline, which is neutral and non-polar, at codon 2255 of the ATM protein (p.Leu2255Pro). This variant is not present in population databases (gnomAD no frequency). This variant has not been reported in the literature in individuals affected with ATM-related conditions. An algorithm developed to predict the effect of missense changes on protein structure and function (PolyPhen-2) suggests that this variant is likely to be disruptive. In summary, the available evidence is currently insufficient to determine the role of this variant in disease. Therefore, it has been classified as a Variant of Uncertain Significance.

Neuberg Centre For Genomic Medicine, NCGM
Classification: Uncertain significance for Ataxia-telangiectasia syndrome. Review status: criteria provided, single submitter. Criteria: ACMG Guidelines, 2015. Collection method: clinical testing. Allele origin: germline. Inheritance: Autosomal recessive inheritance. Affected: yes.
Comment: The missense variant c.6764T>Cp.Leu2255Pro in ATM gene has not been reported previously as a pathogenic variant nor as a benign variant, to our knowledge. The observed variant is absent in gnomAD exomes database. This variant has not been submitted to the ClinVar database. Multiple lines of computational evidence Polyphen - probably damaging, SIFT - damaging and MutationTaster - disease causing predict a damaging effect on protein structure and function for this variant. The reference amino acid change p.Leu2255Pro in ATM is predicted as conserved by GERP++ and PhyloP across 100 vertebrates. The amino acid Leu at position 2255 is changed to a Pro changing protein sequence and it might alter its composition and physico-chemical properties. For these reasons, this variant has been classified as Uncertain Significance VUS.

Literature cited by the submitters: PubMed 38874686 (cited by Ambry Genetics).

NM_000051.4(ATM):c.6764T>C (p.Leu2255Pro)

Genes: ATM (ATM serine/threonine kinase; plus strand), C11orf65 (chromosome 11 open reading frame 65; minus strand). Cytogenetic location: 11q22.3.
Variant type: single nucleotide variant.
Coding change: c.6764T>C on transcript NM_000051.4 (MANE Select); coding-DNA position 6764, T replaced by C.
Protein change: p.Leu2255Pro; replaces leucine 2255 with proline.
Molecular consequence: missense variant. On other transcripts: intron variant (2).
Genome position (GRCh38, 1-based): chr11:108,325,501, T>C. VCF-style: chr11-108325501-T-C. GRCh37 (hg19) VCF-style: chr11-108196228-T-C.
Other names: c.6764T>C, p.Leu2255Pro (NM_001351834.2); c.641-16430A>G (NM_001330368.2); c.*38+9719A>G (NM_001351110.2); short protein forms L2255P.
Identifiers: ClinVar variation 2710283 (VCV002710283.5), dbSNP rs876658966, ClinGen allele CA382555366.